The following is an entry in ClinVar:

NM_181507.2(HPS5):c.1260G>T (p.Leu420Phe)

Gene: HPS5 (HPS5 biogenesis of lysosomal organelles complex 2 subunit 2; minus strand). Cytogenetic location: 11p15.1.
Variant type: single nucleotide variant.
Coding change: c.1260G>T on transcript NM_181507.2 (MANE Select); coding-DNA position 1260, G replaced by T.
Protein change: p.Leu420Phe; replaces leucine 420 with phenylalanine.
Molecular consequence: missense variant.
Genome position (GRCh38, 1-based): chr11:18,297,622, C>A on the plus strand (G>T on the coding strand, the complement: HPS5 is on the minus strand). VCF-style: chr11-18297622-C-A. GRCh37 (hg19) VCF-style: chr11-18319169-C-A.
Other names: c.918G>T, p.Leu306Phe (NM_007216.4, NM_181508.2); short protein forms L420F, L306F.
Identifiers: ClinVar variation 1906224 (VCV001906224.3), dbSNP rs778703386, ClinGen allele CA5910187.

ClinVar aggregate classification (germline): Uncertain significance. Review status: criteria provided, multiple submitters, no conflicts (2 of 4 stars). 2 submissions from 2 submitters: Uncertain significance (2). Last evaluated 2022-05-30.

Conditions:
Hermansky-Pudlak syndrome 5 (HPS5). Identifiers: Orphanet 231512, Orphanet 79430, MedGen C3888004, MONDO:0013557, OMIM 614074.

Allele frequency attached by ClinVar (database versions not stated): gnomAD exomes below 0.00001; ExAC 0.00002.
gnomAD v4.1: 4 of 1,613,938 alleles (0.00025%); highest among the groups gnomAD compares: South Asian, 0.0033%; no homozygotes.

Submissions (2):

Labcorp Genetics (formerly Invitae), Labcorp
Classification: Uncertain significance. Last evaluated: 2022-05-30. Review status: criteria provided, single submitter. Criteria: Invitae Variant Classification Sherloc (09022015). Collection method: clinical testing. Allele origin: germline.
Comment: This sequence change replaces leucine, which is neutral and non-polar, with phenylalanine, which is neutral and non-polar, at codon 420 of the HPS5 protein (p.Leu420Phe). This variant is present in population databases (rs778703386, gnomAD 0.01%). This variant has not been reported in the literature in individuals affected with HPS5-related conditions. Algorithms developed to predict the effect of missense changes on protein structure and function are either unavailable or do not agree on the potential impact of this missense change (SIFT: "Deleterious"; PolyPhen-2: "Probably Damaging"; Align-GVGD: "Class C0"). In summary, the available evidence is currently insufficient to determine the role of this variant in disease. Therefore, it has been classified as a Variant of Uncertain Significance.

Department of Pathology and Laboratory Medicine, Sinai Health System
Classification: Uncertain significance for Hermansky-Pudlak syndrome 5. Last evaluated: 2022-04-14. Review status: criteria provided, single submitter. Criteria: ACMG Guidelines, 2015. Collection method: research. Allele origin: germline.